The following is an entry in ClinVar:

NM_000533.5(PLP1):c.628C>T (p.Leu210Phe)

Genes: RAB9B (RAB9B, member RAS oncogene family; minus strand), PLP1 (proteolipid protein 1; plus strand). Cytogenetic location: Xq22.2.
Variant type: single nucleotide variant.
Coding change: c.628C>T on transcript NM_000533.5 (MANE Select); coding-DNA position 628, C replaced by T.
Protein change: p.Leu210Phe; replaces leucine 210 with phenylalanine.
Molecular consequence: missense variant.
Genome position (GRCh38, 1-based): chrX:103,788,442, C>T. VCF-style: chrX-103788442-C-T. GRCh37 (hg19) VCF-style: chrX-103043371-C-T.
Other names: c.628C>T, p.Leu210Phe (NM_001128834.3); c.463C>T, p.Leu155Phe (NM_001305004.1); c.523C>T, p.Leu175Phe (NM_199478.3); short protein forms L155F, L175F, L210F.
Identifiers: ClinVar variation 3255443 (VCV003255443.5), dbSNP rs2522317774.

ClinVar aggregate classification (germline): Likely pathogenic. Review status: criteria provided, multiple submitters, no conflicts (2 of 4 stars). 3 submissions from 3 submitters: Likely pathogenic (3). Last evaluated 2025-07-17.

Conditions:
PLP1-related disorder. Also called: PLP1-related condition; PLP1-Related Disorders. Identifiers: MedGen CN378767.
Pelizaeus-Merzbacher disease. Also called: Pelizaeus-Merzbacher spectrum disorder; Pelizaeus-Merzbacher Disease (PMD); Sudanophilic leukodystrophy; LEUKODYSTROPHY, HYPOMYELINATING, 1; Pelizeaus-Merzbacher spectrum disorder. Identifiers: Orphanet 702, MedGen C0205711, MONDO:0010714, OMIM 312080, HP:0003269.

Submissions (3):

Dasa
Classification: Likely pathogenic. Last evaluated: 2025-07-17. Review status: criteria provided, single submitter. Criteria: DASA Assertion Criteria. Collection method: clinical testing. Allele origin: germline.
Comment: NM_000533.5(PLP1):c.628C>T (p.Leu210Phe) is a missense variant that results in the substitution of leucine with phenylalanine. The affected residue or protein region has prior evidence supporting clinical relevance. De novo occurrence has been reported in an individual with PLP1-related disorders. Published studies describe this variant in association with related phenotype (PMID: 10417279). Also, this variant is absent from population databases. Computational evidence supports a deleterious effect. Based on the currently available evidence, this variant is classified as likely pathogenic.

Molecular Diagnostics Lab, Nemours Children's Health, Delaware
Classification: Likely pathogenic for Pelizaeus-Merzbacher disease. Last evaluated: 2021-12-21. Review status: criteria provided, single submitter. Criteria: ACMG Guidelines, 2015. Collection method: clinical testing. Allele origin: de novo. Inheritance: X-linked inheritance. Affected: yes. Observed: 1 hemizygote.
Comment: This missense variant (c.628C>T, p.Leu210Phe) has not been observed in population databases (gnomAD). It has not been described in the literature. Variant prediction programs support a deleterious effect on the protein, although no functional studies have been published.

Blueprint Genetics
Classification: Likely pathogenic for PLP1-related disorders. Last evaluated: 2021-02-02. Review status: criteria provided, single submitter. Criteria: ACMG Guidelines, 2015. Collection method: clinical testing. Allele origin: germline. Affected: yes. Observed: 1 variant allele.

Literature cited by the submitters: PubMed 10417279 (cited by Dasa).